The following is an entry in ClinVar:

ClinVar aggregate classification (germline): Uncertain significance (1 of 4 stars; one submission).

gnomAD v4.1: 3 of 1,614,124 alleles (0.00019%); highest among the groups gnomAD compares: East Asian, 0.0067%; no homozygotes.

Submission:

Labcorp Genetics (formerly Invitae), Labcorp
Classification: Uncertain significance. Last evaluated: 2024-05-09. Review status: criteria provided, single submitter. Criteria: Invitae Variant Classification Sherloc (09022015). Collection method: clinical testing. Allele origin: germline.
Comment: This sequence change replaces alanine, which is neutral and non-polar, with threonine, which is neutral and polar, at codon 860 of the DDX58 protein (p.Ala860Thr). This variant is not present in population databases (gnomAD no frequency). This variant has not been reported in the literature in individuals affected with DDX58-related conditions. Advanced modeling of protein sequence and biophysical properties (such as structural, functional, and spatial information, amino acid conservation, physicochemical variation, residue mobility, and thermodynamic stability) performed at Invitae indicates that this missense variant is not expected to disrupt DDX58 protein function with a negative predictive value of 80%. In summary, the available evidence is currently insufficient to determine the role of this variant in disease. Therefore, it has been classified as a Variant of Uncertain Significance.

NM_014314.4(RIGI):c.2578G>A (p.Ala860Thr)

Gene: RIGI (RNA sensor RIG-I; minus strand). Cytogenetic location: 9p21.1.
Variant type: single nucleotide variant.
Coding change: c.2578G>A on transcript NM_014314.4 (MANE Select); coding-DNA position 2578, G replaced by A.
Protein change: p.Ala860Thr; replaces alanine 860 with threonine.
Molecular consequence: missense variant.
Genome position (GRCh38, 1-based): chr9:32,457,322, C>T on the plus strand (G>A on the coding strand, the complement: RIGI is on the minus strand). VCF-style: chr9-32457322-C-T. GRCh37 (hg19) VCF-style: chr9-32457320-C-T.
Other names: c.2572G>A, p.Ala858Thr (NM_001385907.1); c.2407G>A, p.Ala803Thr (NM_001385909.1); c.2137G>A, p.Ala713Thr (NM_001385910.1); c.1969G>A, p.Ala657Thr (NM_001385912.1); c.2563G>A, p.Ala855Thr (NM_001385913.1); c.2134G>A, p.Ala712Thr (NM_001385914.1); short protein forms A803T, A858T, A712T, A713T, A855T, A860T, A657T.
Identifiers: ClinVar variation 3652811 (VCV003652811.2).